The following is an entry in ClinVar:

NM_001128205.2(SULF1):c.2008A>T (p.Arg670Trp)

Gene: SULF1 (sulfatase 1; plus strand). Cytogenetic location: 8q13.3.
Variant type: single nucleotide variant.
Coding change: c.2008A>T on transcript NM_001128205.2 (MANE Select); coding-DNA position 2008, A replaced by T.
Protein change: p.Arg670Trp; replaces arginine 670 with tryptophan.
Molecular consequence: missense variant. On other transcripts: non-coding transcript variant (7).
Genome position (GRCh38, 1-based): chr8:69,627,832, A>T. VCF-style: chr8-69627832-A-T. GRCh37 (hg19) VCF-style: chr8-70540067-A-T.
Other names: c.2008A>T (NM_001128205.1); c.2008A>T, p.Arg670Trp (NM_001412850.1, NM_001412851.1, NM_015170.3 and 9 more transcripts); c.1879A>T, p.Arg627Trp (NM_001412832.1, NM_001412838.1, NM_001412839.1 and 1 more transcripts); c.1951A>T, p.Arg651Trp (NM_001412836.1, NM_001412837.1); c.1822A>T, p.Arg608Trp (NM_001412841.1, NM_001412842.1); c.1408A>T, p.Arg470Trp (NM_001412844.1, NM_001412845.1); c.217A>T, p.Arg73Trp (NM_001412846.1); short protein forms R470W, R608W, R627W, R651W, R670W, R73W.
Identifiers: ClinVar variation 3611504 (VCV003611504.3).
Genomic context (GRCh38, chr8:69,627,832, plus strand): 5'-ATTGAAGCTCTGCAAGATAAAATTAAGAATTTAAGAGAAGTGAGAGGACATCTGAAGAGA[A>T]GGAAGCCTGAGGAATGTAGCTGCAGTAAACAAAGGTGAGCTTGTTTCCATCCATGCTCCA-3'
Protein context (NP_001121677.1, residues 660-680): LREVRGHLKR[Arg670Trp]KPEECSCSKQ

ClinVar aggregate classification (germline): Uncertain significance. Review status: criteria provided, multiple submitters, no conflicts (2 of 4 stars). 2 submissions from 2 submitters: Uncertain significance (2). Last evaluated 2025-08-14.

gnomAD v4.1: 18 of 1,613,366 alleles (0.0011%); highest among the groups gnomAD compares: Non-Finnish European, 0.0014%; no homozygotes.

Submissions (2):

Ambry Genetics
Classification: Uncertain significance. Last evaluated: 2025-08-14. Review status: criteria provided, single submitter. Criteria: Ambry Variant Classification Scheme 2023. Collection method: clinical testing. Allele origin: germline.

Labcorp Genetics (formerly Invitae), Labcorp
Classification: Uncertain significance. Last evaluated: 2025-01-07. Review status: criteria provided, single submitter. Criteria: Invitae Variant Classification Sherloc (09022015). Collection method: clinical testing. Allele origin: germline.
Comment: This sequence change replaces arginine, which is basic and polar, with tryptophan, which is neutral and slightly polar, at codon 670 of the SULF1 protein (p.Arg670Trp). This variant is present in population databases (rs764257412, gnomAD 0.002%). This variant has not been reported in the literature in individuals affected with SULF1-related conditions. An algorithm developed to predict the effect of missense changes on protein structure and function (PolyPhen-2) suggests that this variant is likely to be disruptive. In summary, the available evidence is currently insufficient to determine the role of this variant in disease. Therefore, it has been classified as a Variant of Uncertain Significance.